The following is an entry in ClinVar:

NM_001374828.1(ARID1B):c.1293_1320del (p.Ala432fs)

Gene: ARID1B (AT-rich interaction domain 1B; plus strand). Cytogenetic location: 6q25.3.
Variant type: Deletion.
Coding change: c.1293_1320del on transcript NM_001374828.1 (MANE Select); coding-DNA positions 1293 to 1320, 28 bases deleted (AGCAGCAGGAGGCGGCGGCGGCGGCGGC).
Protein change: p.Ala432fs; shifts the reading frame from alanine 432.
Molecular consequence: frameshift variant.
Genome position (GRCh38, 1-based): chr6:156,778,973-156,779,000, AGCAGCAGGAGGCGGCGGCGGCGGCGGC deleted; deleting any 28 consecutive bases within chr6:156,778,959-156,779,000 gives the same sequence; the c. name uses the placement nearest the transcript's 3' end. VCF-style (leftmost placement, unchanged base first): chr6-156778958-CGCGGCGGCGGCGGCAGCAGCAGGAGGCG-C. GRCh37 (hg19) VCF-style: chr6-157100092-CGCGGCGGCGGCGGCAGCAGCAGGAGGCG-C.
Other names: c.1044_1071del (NM_020732.3); c.1044_1071delAGCAGCAGGAGGCGGCGGCGGCGGCGGC (NM_020732.3); c.1044_1071del28 (NM_020732.3); c.1293_1320del, p.Ala432fs (NM_001371656.1, NM_001374820.1, NM_017519.3); short protein forms A432fs.
Identifiers: ClinVar variation 451585 (VCV000451585.8), dbSNP rs1554247989, ClinGen allele CA658657637.

ClinVar aggregate classification (germline): Pathogenic/Likely pathogenic. Review status: criteria provided, multiple submitters, no conflicts (2 of 4 stars). 4 submissions from 4 submitters: Pathogenic (3); Likely pathogenic (1). Last evaluated 2025-01-06.

Conditions:
Coffin-Siris syndrome 1 (CSS1). Also called: ARID1B-Related Coffin-Siris Syndrome; Mental retardation, autosomal dominant 12. Identifiers: Orphanet 1465, MedGen C3281201, MONDO:0007617, OMIM 135900. Disease mechanism: gain of function.

Submissions (4):

Labcorp Genetics (formerly Invitae), Labcorp
Classification: Pathogenic. Last evaluated: 2025-01-06. Review status: criteria provided, single submitter. Criteria: Invitae Variant Classification Sherloc (09022015). Collection method: clinical testing. Allele origin: germline.
Comment: This sequence change creates a premature translational stop signal (p.Ala349Metfs*11) in the ARID1B gene. It is expected to result in an absent or disrupted protein product. Loss-of-function variants in ARID1B are known to be pathogenic (PMID: 25674384, 30349098). The frequency data for this variant in the population databases is considered unreliable, as metrics indicate insufficient coverage at this position in the gnomAD database. This premature translational stop signal has been observed in individual(s) with clinical features of ARID1B-related conditions (PMID: 34440449). ClinVar contains an entry for this variant (Variation ID: 451585). For these reasons, this variant has been classified as Pathogenic.

GeneDx
Classification: Pathogenic. Last evaluated: 2023-05-26. Review status: criteria provided, single submitter. Criteria: GeneDx Variant Classification Process June 2021. Collection method: clinical testing. Allele origin: germline. Affected: yes.
Comment: Reported previously in a mother and her two children, all of whom presented with intellectual disability, autistic features, severe speech delay, and/or short stature (van der Sluijs PJ et al., 2021); Frameshift variant predicted to result in protein truncation or nonsense mediated decay in a gene for which loss-of-function is a known mechanism of disease; Not observed at significant frequency in large population cohorts (gnomAD); This variant is associated with the following publications: (PMID: 34440449)

Clinical Genetics Laboratory, Skane University Hospital Lund
Classification: Likely pathogenic. Last evaluated: 2022-05-27. Review status: criteria provided, single submitter. Criteria: ACMG Guidelines, 2015. Collection method: clinical testing. Allele origin: germline. Affected: yes.

Clinical Genetics Service, Universitary Hospital 12 de Octubre
Classification: Pathogenic for Coffin-Siris syndrome 1. Review status: criteria provided, single submitter. Criteria: ACMG Guidelines, 2015. Collection method: clinical testing. Allele origin: de novo. Affected: yes.

Literature cited by the submitters: PubMed 25674384 (cited by Labcorp Genetics (formerly Invitae), Labcorp); PubMed 30349098 (cited by Labcorp Genetics (formerly Invitae), Labcorp); PubMed 34440449 (cited by Labcorp Genetics (formerly Invitae), Labcorp).